The following is an entry in ClinVar:

ClinVar aggregate classification (germline): Likely benign. Review status: criteria provided, multiple submitters, no conflicts (2 of 4 stars). 2 submissions from 2 submitters: Likely benign (2). Last evaluated 2024-08-13.

Conditions:
Malignant hyperthermia, susceptibility to, 5 (MHS5). Also called: CACNA1S-Related Malignant Hyperthermia Susceptibility. Identifiers: Orphanet 423, MedGen C1866077, MONDO:0011163, OMIM 601887.
Hypokalemic periodic paralysis, type 1. Also called: HypoPP; Hypokalemic Periodic Paralysis Type 1 (AD). Identifiers: Orphanet 681, MedGen C3714580, MONDO:0042979, OMIM 170400.

Submissions (2):

All of Us Research Program, National Institutes of Health
Classification: Likely benign for Malignant hyperthermia, susceptibility to, 5. Last evaluated: 2024-08-13. Review status: criteria provided, single submitter. Criteria: ACMG Guidelines, 2015. Collection method: clinical testing. Allele origin: germline. Inheritance: Autosomal dominant inheritance. Observed: 3 variant alleles, 3 heterozygotes.
Comment: This study involves interpretation of variants in research participants for the purpose of population health screening. Participant phenotype was not available at the time of variant classification. Additional details can be found in publication PMID: 35346344, PMCID: PMC8962531

Labcorp Genetics (formerly Invitae), Labcorp
Classification: Likely benign for Hypokalemic periodic paralysis, type 1; Malignant hyperthermia, susceptibility to, 5. Last evaluated: 2024-08-10. Review status: criteria provided, single submitter. Criteria: Invitae Variant Classification Sherloc (09022015). Collection method: clinical testing. Allele origin: germline.

NM_000069.3(CACNA1S):c.765C>T (p.Thr255=)

Gene: CACNA1S (calcium voltage-gated channel subunit alpha1 S; minus strand). Cytogenetic location: 1q32.1.
Variant type: single nucleotide variant.
Coding change: c.765C>T on transcript NM_000069.3 (MANE Select); coding-DNA position 765, C replaced by T.
Protein change: p.Thr255=; no amino-acid change (threonine 255 retained).
Molecular consequence: synonymous variant.
Genome position (GRCh38, 1-based): chr1:201,089,393, G>A on the plus strand (C>T on the coding strand, the complement: CACNA1S is on the minus strand). VCF-style: chr1-201089393-G-A. GRCh37 (hg19) VCF-style: chr1-201058521-G-A.
Identifiers: ClinVar variation 3072144 (VCV003072144.4), dbSNP rs2464614892, ClinGen allele CA422694214.
Genomic context (GRCh38, chr1:201,089,393, plus strand): 5'-GAAGTGGGTGATGCCATGGTTGGGCCCTGGCCAGCCGCCCCGGCACTCACTGCCATTGAT[G>A]GTGCACCGGCGCCCTGAGCCCGTCCTGGCGCAGGGCGATGGCTCTTCATTCTCCACCGTG-3'
Protein context (NP_000060.2, residues 245-265): CARTGSGRRC[Thr255=]INGSECRGGW